The following is an entry in ClinVar:

NM_015036.3(ENDOD1):c.396A>G (p.Thr132=)

Gene: ENDOD1 (endonuclease domain containing 1; plus strand). Cytogenetic location: 11q21.
Variant type: single nucleotide variant.
Coding change: c.396A>G on transcript NM_015036.3 (MANE Select); coding-DNA position 396, A replaced by G.
Protein change: p.Thr132=; no amino-acid change (threonine 132 retained).
Molecular consequence: synonymous variant.
Genome position (GRCh38, 1-based): chr11:95,128,472, A>G. VCF-style: chr11-95128472-A-G. GRCh37 (hg19) VCF-style: chr11-94861636-A-G.
Identifiers: ClinVar variation 2642302 (VCV002642302.24), dbSNP rs184192678, ClinGen allele CA6238302.

ClinVar aggregate classification (germline): Likely benign (1 of 4 stars; one submission).

Allele frequency attached by ClinVar (database versions not stated): 1000 Genomes Project 30x 0.00125; 1000 Genomes Project 0.00140; ESP Exome Variant Server 0.00227; ExAC 0.00232; gnomAD 0.00255; TOPMed 0.00275; gnomAD exomes 0.00313.
gnomAD v4.1: 5,005 of 1,614,236 alleles (0.31%); highest among the groups gnomAD compares: South Asian, 0.38%; 16 homozygotes.

Submission:

CeGaT Center for Human Genetics Tuebingen
Classification: Likely benign. Last evaluated: 2023-01-01. Review status: criteria provided, single submitter. Criteria: CeGaT Center For Human Genetics Tuebingen Variant Classification Criteria Version 2. Collection method: clinical testing. Allele origin: germline. Affected: yes. Observed: 1 variant allele.
Comment: ENDOD1: BP4, BP7, BS2